The following is an entry in ClinVar:

NM_138576.4(BCL11B):c.2048G>A (p.Ser683Asn)

Gene: BCL11B (BCL11 transcription factor B; minus strand). Cytogenetic location: 14q32.2.
Variant type: single nucleotide variant.
Coding change: c.2048G>A on transcript NM_138576.4 (MANE Select); coding-DNA position 2048, G replaced by A.
Protein change: p.Ser683Asn; replaces serine 683 with asparagine.
Molecular consequence: missense variant.
Genome position (GRCh38, 1-based): chr14:99,174,788, C>T on the plus strand (G>A on the coding strand, the complement: BCL11B is on the minus strand). VCF-style: chr14-99174788-C-T. GRCh37 (hg19) VCF-style: chr14-99641125-C-T.
Other names: c.1835G>A, p.Ser612Asn (NM_022898.3); c.1832G>A, p.Ser611Asn (NM_001282238.2); c.2045G>A, p.Ser682Asn (NM_001282237.2); short protein forms S611N, S682N, S683N, S612N.
Identifiers: ClinVar variation 2870148 (VCV002870148.3), dbSNP rs764070866, ClinGen allele CA7339552.

ClinVar aggregate classification (germline): Uncertain significance (1 of 4 stars; one submission).

Allele frequency attached by ClinVar (database versions not stated): gnomAD exomes below 0.00001; TOPMed 0.00001; gnomAD 0.00001; ExAC 0.00001.
gnomAD v4.1: 3 of 1,453,228 alleles (0.00021%); highest among the groups gnomAD compares: African/African-American, 0.003%; no homozygotes.

Submission:

Labcorp Genetics (formerly Invitae), Labcorp
Classification: Uncertain significance. Last evaluated: 2025-12-15. Review status: criteria provided, single submitter. Criteria: Invitae Variant Classification Sherloc (09022015). Collection method: clinical testing. Allele origin: germline.
Comment: This sequence change replaces serine, which is neutral and polar, with asparagine, which is neutral and polar, at codon 683 of the BCL11B protein (p.Ser683Asn). The frequency data for this variant in the population databases is considered unreliable, as metrics indicate poor data quality at this position in the gnomAD database. This variant has not been reported in the literature in individuals affected with BCL11B-related conditions. ClinVar contains an entry for this variant (Variation ID: 2870148). Invitae Evidence Modeling of protein sequence and biophysical properties (such as structural, functional, and spatial information, amino acid conservation, physicochemical variation, residue mobility, and thermodynamic stability) indicates that this missense variant is not expected to disrupt BCL11B protein function with a negative predictive value of 95%. In summary, the available evidence is currently insufficient to determine the role of this variant in disease. Therefore, it has been classified as a Variant of Uncertain Significance.